The following is an entry in ClinVar:

ClinVar aggregate classification (germline): Likely benign. Review status: criteria provided, multiple submitters, no conflicts (2 of 4 stars). 2 submissions from 2 submitters: Likely benign (2). Last evaluated 2024-06-03.

Conditions:
Glycogen storage disease IXb (GSD9B). Also called: PHOSPHORYLASE KINASE DEFICIENCY OF LIVER AND MUSCLE, AUTOSOMAL RECESSIVE; GLYCOGENOSIS OF LIVER AND MUSCLE, AUTOSOMAL RECESSIVE; GSD IXb. Identifiers: Orphanet 79240, MedGen C0543514, MONDO:0009868, OMIM 261750.

gnomAD v4.1: 3 of 1,614,022 alleles (0.00019%); highest among the groups gnomAD compares: South Asian, 0.0011%; no homozygotes.

Submissions (2):

Labcorp Genetics (formerly Invitae), Labcorp
Classification: Likely benign for Glycogen storage disease IXb. Last evaluated: 2024-06-03. Review status: criteria provided, single submitter. Criteria: Invitae Variant Classification Sherloc (09022015). Collection method: clinical testing. Allele origin: germline.

GeneDx
Classification: Likely benign. Last evaluated: 2016-01-25. Review status: criteria provided, single submitter. Criteria: GeneDx Variant Classification (06012015). Collection method: clinical testing. Allele origin: germline. Affected: yes.
Comment: This variant is considered likely benign or benign based on one or more of the following criteria: it is a conservative change, it occurs at a poorly conserved position in the protein, it is predicted to be benign by multiple in silico algorithms, and/or has population frequency not consistent with disease.

NM_000293.3(PHKB):c.305+11G>A

Genes: PHKB (phosphorylase kinase regulatory subunit beta; plus strand), LOC112449713 (Sharpr-MPRA regulatory region 10524; plus strand). Cytogenetic location: 16q12.1.
Variant type: single nucleotide variant.
Coding change: c.305+11G>A on transcript NM_000293.3 (MANE Select); 11 bases into the intron after coding-DNA position 305, G replaced by A.
Molecular consequence: intron variant.
Genome position (GRCh38, 1-based): chr16:47,499,905, G>A. VCF-style: chr16-47499905-G-A. GRCh37 (hg19) VCF-style: chr16-47533816-G-A.
Other names: c.305+11G>A (NM_001363837.1); c.284+11G>A (NM_001031835.3).
Identifiers: ClinVar variation 382381 (VCV000382381.5), dbSNP rs368293023, ClinGen allele CA16608190.
Genomic context (GRCh38, chr16:47,499,905, plus strand): 5'-GACAGCCTATACTGCGCTGCTGGGGCCTGGGCTTTGGCTCTTGCATACAGGTGAGCTGGT[G>A]TGTGTTCTCCTCGTAACTTTGAGAGTGGATAATAGGGTTTTGTAGGACCAAGACTAATTG-3'